The following is an entry in ClinVar:

ClinVar aggregate classification (germline): Pathogenic. Review status: criteria provided, multiple submitters, no conflicts (2 of 4 stars). 12 submissions from 12 submitters: Pathogenic (11). 1 of the submissions does not count toward it. Last evaluated 2025-12-26.

Conditions:
Isolated growth hormone deficiency, type 4. Also called: ISOLATED GROWTH HORMONE DEFICIENCY, TYPE IV; DWARFISM OF SINDH. Identifiers: Orphanet 684247, MedGen C4722273, MONDO:0032567, OMIM 618157.

Allele frequency attached by ClinVar (database versions not stated): 1000 Genomes Project 0.00020; ExAC 0.00048; gnomAD exomes 0.00018; 1000 Genomes Project 30x 0.00016.
gnomAD v4.1: 122 of 1,579,438 alleles (0.0077%); highest among the groups gnomAD compares: South Asian, 0.13%; no homozygotes.

Submissions (12):

Kasturba Medical College, Manipal, Kasturba Medical College, Manipal, Manipal Academy of Higher Education, Manipal, India
Classification: Pathogenic for Isolated growth hormone deficiency, type 4. Last evaluated: 2025-12-26. Review status: criteria provided, single submitter. Criteria: ACMG Guidelines, 2015. Collection method: research. Allele origin: germline. Inheritance: Autosomal recessive inheritance. Affected: yes. Observed: 1 homozygote.
Comment: This variant is present in 122 individuals in heterozygous state and absent in homozygous state in the gnomAD population database (v.4.1.0). This variant is present in 11 individuals in heterozygous state and absent in homozygous state in our in-house database of 3928 exomes. This variant is predicted to introduce a premature termination codon which may either trigger nonsense-mediated mRNA decay or result in a truncated protein product.

Women's Health and Genetics/Laboratory Corporation of America, LabCorp
Classification: Pathogenic for Isolated growth hormone deficiency, type 4. Last evaluated: 2024-07-08. Review status: criteria provided, single submitter. Criteria: LabCorp Variant Classification Summary - May 2015. Collection method: clinical testing. Allele origin: germline.
Comment: Variant summary: GHRHR c.214G>T (p.Glu72X) results in a premature termination codon, predicted to cause a truncation of the encoded protein or absence of the protein due to nonsense mediated decay, which are commonly known mechanisms for disease. The variant allele was found at a frequency of 0.00018 in 193754 control chromosomes. This frequency is not significantly higher than estimated for a pathogenic variant in GHRHR causing Isolated growth hormone deficiency, type 4, allowing no conclusion about variant significance. c.214G>T has been reported in the literature in multiple biallelic individuals affected with Isolated growth hormone deficiency, type 4 (e.g. Kamijo_2004). These data indicate that the variant is very likely to be associated with disease. To our knowledge, no experimental evidence demonstrating an impact on protein function has been reported. The following publication has been ascertained in the context of this evaluation (PMID: 15336233). ClinVar contains an entry for this variant (Variation ID: 15989). Based on the evidence outlined above, the variant was classified as pathogenic.

Fulgent Genetics
Classification: Pathogenic for Isolated growth hormone deficiency, type 4. Last evaluated: 2024-03-05. Review status: criteria provided, single submitter. Criteria: ACMG Guidelines, 2015. Collection method: clinical testing. Allele origin: germline.

Revvity Omics, Revvity
Classification: Pathogenic for Isolated growth hormone deficiency, type 4. Last evaluated: 2023-10-30. Review status: criteria provided, single submitter. Criteria: ACMG Guidelines, 2015. Collection method: clinical testing. Allele origin: germline.

Labcorp Genetics (formerly Invitae), Labcorp
Classification: Pathogenic. Last evaluated: 2022-12-09. Review status: criteria provided, single submitter. Criteria: Invitae Variant Classification Sherloc (09022015). Collection method: clinical testing. Allele origin: germline.
Comment: For these reasons, this variant has been classified as Pathogenic. ClinVar contains an entry for this variant (Variation ID: 15989). This premature translational stop signal has been observed in individual(s) with growth hormone deficiency (PMID: 8528260, 16355809, 25153028). In at least one individual the data is consistent with being in trans (on the opposite chromosome) from a pathogenic variant. It is commonly reported in individuals of Indian ancestry (PMID: 12794696). This variant is present in population databases (rs121918117, gnomAD 0.1%). This sequence change creates a premature translational stop signal (p.Glu72*) in the GHRHR gene. It is expected to result in an absent or disrupted protein product. Loss-of-function variants in GHRHR are known to be pathogenic (PMID: 12444890, 16355809).

GeneDx
Classification: Pathogenic. Last evaluated: 2022-03-30. Review status: criteria provided, single submitter. Criteria: GeneDx Variant Classification Process June 2021. Collection method: clinical testing. Allele origin: germline. Affected: yes.
Comment: Nonsense variant predicted to result in protein truncation or nonsense mediated decay in a gene for which loss of function is a known mechanism of disease; This variant is associated with the following publications: (PMID: 25525159, 12788864, 9814493, 9467553, 25153028, 16355809, 8528260)

3billion
Classification: Pathogenic for Isolated growth hormone deficiency, type 4. Last evaluated: 2022-01-03. Review status: criteria provided, single submitter. Criteria: ACMG Guidelines, 2015. Collection method: clinical testing. Allele origin: germline. Affected: yes. Observed: 1 homozygote.
Comment: Stop-gained (nonsense): predicted to result in a loss or disruption of normal protein function through nonsense-mediated decay (NMD) or protein truncation. Multiple pathogenic variants are reported downstream of the variant (PVS1_VS).The variant has been reported at least twice as pathogenic/likely pathogenic with clinical assertions and evidence for the classification (ClinVar ID: VCV000015989, PMID:8528260, 3billion dataset).It is observed at an extremely low frequency in the gnomAD v2.1.1 dataset (total allele frequency: 0.000175, PM2_M). Therefore, this variant is classified as pathogenic according to the recommendation of ACMG/AMP guideline.

Genetics and Genomic Medicine Centre, NeuroGen Healthcare, NeuroGen Healthcare
Classification: Pathogenic for Isolated growth hormone deficiency, type 4. Last evaluated: 2021-10-04. Review status: criteria provided, single submitter. Criteria: Submitter's publication. Collection method: clinical testing. Allele origin: unknown. Affected: no.

Institute of Human Genetics Munich, TUM University Hospital
Classification: Pathogenic for Isolated growth hormone deficiency, type 4. Last evaluated: 2020-01-16. Review status: criteria provided, single submitter. Criteria: Classification criteria August 2017. Collection method: clinical testing. Allele origin: inherited. Inheritance: Autosomal recessive inheritance. Affected: yes. Observed: 1 homozygote.

Juno Genomics, Hangzhou Juno Genomics, Inc
Classification: Pathogenic for Isolated growth hormone deficiency, type 4. Review status: criteria provided, single submitter. Criteria: ACMG Guidelines, 2015. Collection method: clinical testing. Allele origin: germline.
Comment: Absent from controls (or at extremely low frequency if recessive) in Genome Aggregation Database.;Null variant in a gene where loss of function (LOF) is a known mechanism of disease.;For recessive disorders, detected in trans with a pathogenic variant.;Co-segregation with disease in multiple affected family members.

Neuberg Centre For Genomic Medicine, NCGM
Classification: Pathogenic for Isolated growth hormone deficiency, type 4. Review status: criteria provided, single submitter. Criteria: ACMG Guidelines, 2015. Collection method: clinical testing. Allele origin: germline. Inheritance: Autosomal recessive inheritance. Affected: yes.

OMIM
Classification: Pathogenic for ISOLATED GROWTH HORMONE DEFICIENCY, TYPE IV. Last evaluated: 2003-07-01. Review status: no assertion criteria provided. Collection method: literature only. Allele origin: germline. Not counted in ClinVar's aggregate classification.

Literature cited by the submitters: PubMed 25153028 (cited by Kasturba Medical College, Manipal, Kasturba Medical College, Manipal, Manipal Academy of Higher Education, Manipal, India and Labcorp Genetics (formerly Invitae), Labcorp); PubMed 15336233 (cited by Women's Health and Genetics/Laboratory Corporation of America, LabCorp); PubMed 8528260 (cited by 3 submitters); PubMed 16355809 (cited by Labcorp Genetics (formerly Invitae), Labcorp); PubMed 12794696 (cited by Labcorp Genetics (formerly Invitae), Labcorp and OMIM); PubMed 12444890 (cited by Labcorp Genetics (formerly Invitae), Labcorp); PubMed 9467553 (cited by OMIM); PubMed 9814493 (cited by OMIM); PubMed 12788864 (cited by OMIM).

NM_000823.4(GHRHR):c.214G>T (p.Glu72Ter)

Gene: GHRHR (growth hormone releasing hormone receptor; plus strand). Cytogenetic location: 7p14.3.
Variant type: single nucleotide variant.
Coding change: c.214G>T on transcript NM_000823.4 (MANE Select); coding-DNA position 214, G replaced by T.
Protein change: p.Glu72Ter; replaces glutamic acid 72 with a stop codon.
Molecular consequence: nonsense.
Genome position (GRCh38, 1-based): chr7:30,969,116, G>T. VCF-style: chr7-30969116-G-T. GRCh37 (hg19) VCF-style: chr7-31008731-G-T.
Other names: c.214G>T (NM_000823.3); short protein forms E72*.
Identifiers: ClinVar variation 15989 (VCV000015989.24), dbSNP rs121918117, ClinGen allele CA126133.